The following is an entry in ClinVar:

NM_015046.7(SETX):c.3816G>T (p.Lys1272Asn)

Gene: SETX (senataxin; minus strand). Cytogenetic location: 9q34.13.
Variant type: single nucleotide variant.
Coding change: c.3816G>T on transcript NM_015046.7 (MANE Select); coding-DNA position 3816, G replaced by T.
Protein change: p.Lys1272Asn; replaces lysine 1272 with asparagine.
Molecular consequence: missense variant.
Genome position (GRCh38, 1-based): chr9:132,327,782, C>A on the plus strand (G>T on the coding strand, the complement: SETX is on the minus strand). VCF-style: chr9-132327782-C-A. GRCh37 (hg19) VCF-style: chr9-135203169-C-A.
Other names: c.3816G>T, p.Lys1272Asn (NM_001351527.2, NM_001351528.2); short protein forms K1272N.
Identifiers: ClinVar variation 2936166 (VCV002936166.4), dbSNP rs904075362, ClinGen allele CA200807692.

ClinVar aggregate classification (germline): Uncertain significance. Review status: criteria provided, multiple submitters, no conflicts (2 of 4 stars). 2 submissions from 2 submitters: Uncertain significance (2). Last evaluated 2026-03-31.

Conditions:
Spinocerebellar ataxia, autosomal recessive, with axonal neuropathy 2 (SCAN2). Also called: ATAXIA-OCULOMOTOR APRAXIA 2; Ataxia-ocular apraxia-2; Ataxia with Oculomotor Apraxia; Ataxia with Oculomotor Apraxia Type 2. Identifiers: Orphanet 64753, MedGen C1853761, MONDO:0018996, OMIM 606002.
Amyotrophic lateral sclerosis type 4 (ALS4). Also called: AMYOTROPHIC LATERAL SCLEROSIS 4, JUVENILE; NEURONOPATHY, DISTAL HEREDITARY MOTOR, WITH PYRAMIDAL FEATURES. Identifiers: Orphanet 357043, MedGen C1865409, MONDO:0011223, OMIM 602433.

Allele frequency attached by ClinVar (database versions not stated): gnomAD exomes below 0.00001; TOPMed below 0.00001.
gnomAD v4.1: 2 of 1,614,188 alleles (0.00012%); highest among the groups gnomAD compares: Non-Finnish European, 0.00017%; no homozygotes.

Submissions (2):

GeneDx
Classification: Uncertain significance. Last evaluated: 2026-03-31. Review status: criteria provided, single submitter. Criteria: GeneDx Variant Classification Process June 2021. Collection method: clinical testing. Allele origin: germline.
Comment: Not observed at significant frequency in large population cohorts (gnomAD); In silico analysis suggests that this missense variant does not alter protein structure/function; Has not been previously published as pathogenic or benign to our knowledge

Labcorp Genetics (formerly Invitae), Labcorp
Classification: Uncertain significance for Amyotrophic lateral sclerosis type 4; Spinocerebellar ataxia, autosomal recessive, with axonal neuropathy 2. Last evaluated: 2023-03-03. Review status: criteria provided, single submitter. Criteria: Invitae Variant Classification Sherloc (09022015). Collection method: clinical testing. Allele origin: germline.
Comment: In summary, the available evidence is currently insufficient to determine the role of this variant in disease. Therefore, it has been classified as a Variant of Uncertain Significance. This sequence change replaces lysine, which is basic and polar, with asparagine, which is neutral and polar, at codon 1272 of the SETX protein (p.Lys1272Asn). Advanced modeling of protein sequence and biophysical properties (such as structural, functional, and spatial information, amino acid conservation, physicochemical variation, residue mobility, and thermodynamic stability) has been performed at Invitae for this missense variant, however the output from this modeling did not meet the statistical confidence thresholds required to predict the impact of this variant on SETX protein function. This variant has not been reported in the literature in individuals affected with SETX-related conditions. This variant is not present in population databases (gnomAD no frequency).